The following is an entry in ClinVar:

ClinVar aggregate classification (germline): Uncertain significance. Review status: criteria provided, multiple submitters, no conflicts (2 of 4 stars). 2 submissions from 2 submitters: Uncertain significance (2). Last evaluated 2025-11-20.

Conditions:
Neuroblastoma, susceptibility to, 3. Also called: ALK-Related Neuroblastic Tumor Susceptibility. Identifiers: Orphanet 635, MedGen C2751681, MONDO:0013083, OMIM 613014.
Hereditary cancer-predisposing syndrome. Also called: Hereditary neoplastic syndrome; Neoplastic Syndromes, Hereditary; Hereditary Cancer Syndrome; Tumor predisposition. Identifiers: Orphanet 140162, MedGen C0027672, MeSH D009386, MONDO:0015356.

Allele frequency attached by ClinVar (database versions not stated): gnomAD exomes below 0.00001.
gnomAD v4.1: 1 of 1,614,146 alleles (0.000062%); highest among the groups gnomAD compares: Non-Finnish European, 0.000085%; no homozygotes.

Submissions (2):

Labcorp Genetics (formerly Invitae), Labcorp
Classification: Uncertain significance for Neuroblastoma, susceptibility to, 3. Last evaluated: 2025-11-20. Review status: criteria provided, single submitter. Criteria: Invitae Variant Classification Sherloc (09022015). Collection method: clinical testing. Allele origin: germline.
Comment: This sequence change replaces arginine, which is basic and polar, with serine, which is neutral and polar, at codon 186 of the ALK protein (p.Arg186Ser). This variant is not present in population databases (gnomAD no frequency). This variant has not been reported in the literature in individuals affected with ALK-related conditions. ClinVar contains an entry for this variant (Variation ID: 569728). An algorithm developed to predict the effect of missense changes on protein structure and function (PolyPhen-2) suggests that this variant is likely to be disruptive. In summary, the available evidence is currently insufficient to determine the role of this variant in disease. Therefore, it has been classified as a Variant of Uncertain Significance.

Ambry Genetics
Classification: Uncertain significance for Hereditary cancer-predisposing syndrome. Last evaluated: 2024-05-10. Review status: criteria provided, single submitter. Criteria: Ambry Variant Classification Scheme 2023. Collection method: clinical testing. Allele origin: germline.
Comment: The p.R186S variant (also known as c.558G>C), located in coding exon 1 of the ALK gene, results from a G to C substitution at nucleotide position 558. The arginine at codon 186 is replaced by serine, an amino acid with dissimilar properties. This amino acid position is conserved. In addition, this alteration is predicted to be deleterious by in silico analysis. Since supporting evidence is limited at this time, the clinical significance of this alteration remains unclear.

NM_004304.5(ALK):c.558G>C (p.Arg186Ser)

Gene: ALK (ALK receptor tyrosine kinase; minus strand). Cytogenetic location: 2p23.1.
Variant type: single nucleotide variant.
Coding change: c.558G>C on transcript NM_004304.5 (MANE Select); coding-DNA position 558, G replaced by C.
Protein change: p.Arg186Ser; replaces arginine 186 with serine.
Molecular consequence: missense variant.
Genome position (GRCh38, 1-based): chr2:29,920,102, C>G on the plus strand (G>C on the coding strand, the complement: ALK is on the minus strand). VCF-style: chr2-29920102-C-G. GRCh37 (hg19) VCF-style: chr2-30142968-C-G.
Other names: short protein forms R186S.
Identifiers: ClinVar variation 569728 (VCV000569728.14), dbSNP rs1558549504, ClinGen allele CA346589803.